The following is an entry in ClinVar:

NM_000026.4(ADSL):c.977G>A (p.Trp326Ter)

Gene: ADSL (adenylosuccinate lyase; plus strand). Cytogenetic location: 22q13.1.
Variant type: single nucleotide variant.
Coding change: c.977G>A on transcript NM_000026.4 (MANE Select); coding-DNA position 977, G replaced by A.
Protein change: p.Trp326Ter; replaces tryptophan 326 with a stop codon.
Molecular consequence: nonsense. On other transcripts: non-coding transcript variant (1).
Genome position (GRCh38, 1-based): chr22:40,361,602, G>A. VCF-style: chr22-40361602-G-A. GRCh37 (hg19) VCF-style: chr22-40757606-G-A.
Other names: c.977G>A, p.Trp326Ter (NM_001123378.3, NM_001363840.3); c.785G>A, p.Trp262Ter (NM_001317923.2); short protein forms W326*, W262*.
Identifiers: ClinVar variation 846915 (VCV000846915.1), dbSNP rs2044792794, ClinGen allele CA411644458.

ClinVar aggregate classification (germline): Pathogenic (1 of 4 stars; one submission).

Conditions:
Adenylosuccinate lyase deficiency (ADSLD). Also called: ADSL DEFICIENCY. Identifiers: Orphanet 46, MedGen C0268126, MONDO:0007068, OMIM 103050.

Submission:

Labcorp Genetics (formerly Invitae), Labcorp
Classification: Pathogenic for Adenylosuccinate lyase deficiency. Last evaluated: 2019-11-19. Review status: criteria provided, single submitter. Criteria: Invitae Variant Classification Sherloc (09022015). Collection method: clinical testing. Allele origin: germline.
Comment: This sequence change creates a premature translational stop signal (p.Trp326*) in the ADSL gene. It is expected to result in an absent or disrupted protein product. This variant is not present in population databases (ExAC no frequency). This variant has not been reported in the literature in individuals with ADSL-related conditions. Loss-of-function variants in ADSL are known to be pathogenic (PMID: 10888601, 20177786). For these reasons, this variant has been classified as Pathogenic.